The following is an entry in ClinVar:

NM_000258.3(MYL3):c.47C>T (p.Ala16Val)

Gene: MYL3 (myosin light chain 3; minus strand). Cytogenetic location: 3p21.31.
Variant type: single nucleotide variant.
Coding change: c.47C>T on transcript NM_000258.3 (MANE Select); coding-DNA position 47, C replaced by T.
Protein change: p.Ala16Val; replaces alanine 16 with valine.
Molecular consequence: missense variant.
Genome position (GRCh38, 1-based): chr3:46,863,344, G>A on the plus strand (C>T on the coding strand, the complement: MYL3 is on the minus strand). VCF-style: chr3-46863344-G-A. GRCh37 (hg19) VCF-style: chr3-46904834-G-A.
Other names: short protein forms A16V.
Identifiers: ClinVar variation 949150 (VCV000949150.7), dbSNP rs754871327, ClinGen allele CA044306.

ClinVar aggregate classification (germline): Uncertain significance (1 of 4 stars; one submission).

Conditions:
Hypertrophic cardiomyopathy. Also called: HYPERTROPHIC MYOCARDIOPATHY. Identifiers: Orphanet 217569, MedGen C0007194, MeSH D002312, MONDO:0005045, HP:0001639.

Allele frequency attached by ClinVar (database versions not stated): ExAC 0.00001; gnomAD 0.00001; gnomAD exomes 0.00001; TOPMed 0.00001.
gnomAD v4.1: 3 of 1,613,714 alleles (0.00019%); highest among the groups gnomAD compares: African/African-American, 0.0027%; no homozygotes.

Submission:

Labcorp Genetics (formerly Invitae), Labcorp
Classification: Uncertain significance for Hypertrophic cardiomyopathy. Last evaluated: 2025-03-11. Review status: criteria provided, single submitter. Criteria: Invitae Variant Classification Sherloc (09022015). Collection method: clinical testing. Allele origin: germline.
Comment: This sequence change replaces alanine, which is neutral and non-polar, with valine, which is neutral and non-polar, at codon 16 of the MYL3 protein (p.Ala16Val). This variant is present in population databases (rs754871327, gnomAD 0.01%). This variant has not been reported in the literature in individuals affected with MYL3-related conditions. ClinVar contains an entry for this variant (Variation ID: 949150). Experimental studies and prediction algorithms are not available or were not evaluated, and the functional significance of this variant is currently unknown. In summary, the available evidence is currently insufficient to determine the role of this variant in disease. Therefore, it has been classified as a Variant of Uncertain Significance.